The following is an entry in ClinVar:

NM_000350.3(ABCA4):c.6213C>G (p.Tyr2071Ter)

Gene: ABCA4 (ATP binding cassette subfamily A member 4; minus strand). Cytogenetic location: 1p22.1.
Variant type: single nucleotide variant.
Coding change: c.6213C>G on transcript NM_000350.3 (MANE Select); coding-DNA position 6213, C replaced by G.
Protein change: p.Tyr2071Ter; replaces tyrosine 2071 with a stop codon.
Molecular consequence: nonsense.
Genome position (GRCh38, 1-based): chr1:94,001,927, G>C on the plus strand (C>G on the coding strand, the complement: ABCA4 is on the minus strand). VCF-style: chr1-94001927-G-C. GRCh37 (hg19) VCF-style: chr1-94467483-G-C.
Other names: NM_000350.3(ABCA4):c.6213C>G; p.Tyr2071Ter; c.5991C>G, p.Tyr1997Ter (NM_001425324.1); short protein forms Y2071*, Y1997*.
Identifiers: ClinVar variation 866298 (VCV000866298.3), dbSNP rs62642580, ClinGen allele CA341278268.

ClinVar aggregate classification (germline): Pathogenic. Review status: reviewed by expert panel (3 of 4 stars). 2 submissions from 2 submitters: Pathogenic (1). 1 of the submissions does not count toward it. Last evaluated 2026-05-26.

Conditions:
ABCA4-related disorder. Also called: ABCA4-related condition; ABCA4-related disorders. Identifiers: MedGen CN239167.
ABCA4-related retinopathy. Also called: ABCA4 retinoapthy; ABCA4-related retinoapthy. Identifiers: MedGen CN322612, MONDO:0800406.

Allele frequency attached by ClinVar (database versions not stated): gnomAD exomes below 0.00001.
gnomAD v4.1: 1 of 1,614,190 alleles (0.000062%); highest among the groups gnomAD compares: Non-Finnish European, 0.000085%; no homozygotes.

Submissions (2):

ClinGen ABCA4 Variant Curation Expert Panel, Clingen
Classification: Pathogenic for ABCA4-related retinopathy. Last evaluated: 2026-05-26. Review status: reviewed by expert panel. Criteria: ClinGen ABCA4 ACMG Specifications V1.0.0. Collection method: curation. Allele origin: germline. Inheritance: Autosomal recessive inheritance.
Comment: The NM_000350.3:c.6213C>G; p.p.Tyr2071Ter variant in ABCA4 is a nonsense variant predicted to cause a premature stop codon in biologically relevant exon 45/50 leading to nonsense mediated decay in a gene in which loss-of-function is an established disease mechanism (PVS1). The total minor allele frequency in gnomAD v4.1.0 is 0.0000006195 (1/1614190 alleles), which is lower than the ClinGen ABCA4 VCEP’s threshold for PM2_Supporting (<0.0001). This variant has been detected in at least 1 individual with ABCA4-related retinopathy. This individual was compound heterozygous for the variant and another pathogenic variant and was confirmed in trans (c.6319C>T and c.6213C>G; PMID: 26377081; PM3). In summary, this variant meets the criteria to be classified as pathogenic for ABCA4-related retinopathy based on the ACMG/AMP criteria applied, as specified by the ClinGen ABCA4 VCEP (Specification Version 1.0.0): PVS1, PM2_Supporting, PM3.

Blueprint Genetics
Classification: Likely pathogenic for ABCA4-related disorders. Last evaluated: 2020-02-28. Review status: criteria provided, single submitter. Criteria: ACMG Guidelines, 2015. Collection method: clinical testing. Allele origin: germline. Affected: yes. Observed: 1 variant allele. Not counted in ClinVar's aggregate classification.